The following is an entry in ClinVar:

ClinVar aggregate classification (germline): Uncertain significance (1 of 4 stars; one submission).

Conditions:
Familial thoracic aortic aneurysm and aortic dissection (TAAD). Also called: Thoracic aortic aneurysms and dissections. Identifiers: Orphanet 91387, MedGen C4707243, MONDO:0019625.

Submission:

All of Us Research Program, National Institutes of Health
Classification: Uncertain significance for Familial thoracic aortic aneurysm and aortic dissection. Last evaluated: 2023-05-30. Review status: criteria provided, single submitter. Criteria: ACMG Guidelines, 2015. Collection method: clinical testing. Allele origin: germline. Inheritance: Autosomal dominant inheritance. Observed: 1 variant allele, 1 heterozygote.
Comment: This variant replace arginine with three novel amino acids at codon 179 of the ACTA2 protein. To our knowledge, functional studies have not been reported for this variant. This variant has not been reported in individuals affected with cardiovascular disorders in the literature. This variant has not been identified in the general population by the Genome Aggregation Database (gnomAD). The available evidence is insufficient to determine the role of this variant in disease conclusively. Therefore, this variant is classified as a Variant of Uncertain Significance.

This study involves interpretation of variants in research participants for the purpose of population health screening. Participant phenotype was not available at the time of variant classification. Additional details can be found in publication PMID: 35346344, PMCID: PMC8962531

NM_001613.4(ACTA2):c.535_536insTGGCAT (p.Arg179delinsLeuAlaCys)

Gene: ACTA2 (actin alpha 2, smooth muscle; minus strand). Cytogenetic location: 10q23.31.
Variant type: Insertion.
Coding change: c.535_536insTGGCAT on transcript NM_001613.4 (MANE Select); coding-DNA positions 535 to 536, TGGCAT inserted.
Protein change: p.Arg179delinsLeuAlaCys.
Molecular consequence: inframe indel.
Genome position: GRCh38 VCF-style: chr10-88941309-C-CATGCCA. GRCh37 (hg19) VCF-style: chr10-90701066-C-CATGCCA.
Other names: c.535_536insTGGCAT, p.Arg179delinsLeuAlaCys (NM_001141945.3, NM_001320855.2, NM_001406462.1 and 3 more transcripts); c.424_425insTGGCAT, p.Arg142delinsLeuAlaCys (NM_001406466.1); c.406_407insTGGCAT, p.Arg136delinsLeuAlaCys (NM_001406467.1, NM_001406468.1, NM_001406469.1).
Identifiers: ClinVar variation 3075543 (VCV003075543.1), dbSNP rs2494538140, ClinGen allele CA2825001716.